The following is an entry in ClinVar:

NM_001098426.2(SMARCD2):c.530G>A (p.Arg177Gln)

Gene: SMARCD2 (SWI/SNF related BAF chromatin remodeling complex subunit D2; minus strand). Cytogenetic location: 17q23.3.
Variant type: single nucleotide variant.
Coding change: c.530G>A on transcript NM_001098426.2 (MANE Select); coding-DNA position 530, G replaced by A.
Protein change: p.Arg177Gln; replaces arginine 177 with glutamine.
Molecular consequence: missense variant.
Genome position (GRCh38, 1-based): chr17:63,836,959, C>T on the plus strand (G>A on the coding strand, the complement: SMARCD2 is on the minus strand). VCF-style: chr17-63836959-C-T. GRCh37 (hg19) VCF-style: chr17-61914319-C-T.
Other names: c.305G>A, p.Arg102Gln (NM_001330439.1); c.386G>A, p.Arg129Gln (NM_001330440.2); short protein forms R177Q, R129Q, R102Q.
Identifiers: ClinVar variation 1908170 (VCV001908170.3), dbSNP rs776464912, ClinGen allele CA8706466.

ClinVar aggregate classification (germline): Uncertain significance (1 of 4 stars; one submission).

Allele frequency attached by ClinVar (database versions not stated): gnomAD 0.00001; gnomAD exomes 0.00001; ExAC 0.00002.
gnomAD v4.1: 10 of 1,613,810 alleles (0.00062%); highest among the groups gnomAD compares: Admixed American, 0.0017%; no homozygotes.

Submission:

Labcorp Genetics (formerly Invitae), Labcorp
Classification: Uncertain significance. Last evaluated: 2022-08-16. Review status: criteria provided, single submitter. Criteria: Invitae Variant Classification Sherloc (09022015). Collection method: clinical testing. Allele origin: germline.
Comment: In summary, the available evidence is currently insufficient to determine the role of this variant in disease. Therefore, it has been classified as a Variant of Uncertain Significance. Algorithms developed to predict the effect of missense changes on protein structure and function are either unavailable or do not agree on the potential impact of this missense change (SIFT: "Tolerated"; PolyPhen-2: "Probably Damaging"; Align-GVGD: "Class C0"). This variant has not been reported in the literature in individuals affected with SMARCD2-related conditions. This variant is present in population databases (rs776464912, gnomAD 0.0009%). This sequence change replaces arginine, which is basic and polar, with glutamine, which is neutral and polar, at codon 177 of the SMARCD2 protein (p.Arg177Gln).